The following is an entry in ClinVar:

NM_006073.4(TRDN):c.1370-15T>A

Gene: TRDN (triadin; minus strand). Cytogenetic location: 6q22.31.
Variant type: single nucleotide variant.
Coding change: c.1370-15T>A on transcript NM_006073.4 (MANE Select); 15 bases into the intron before coding-DNA position 1370, T replaced by A.
Molecular consequence: intron variant.
Genome position (GRCh38, 1-based): chr6:123,337,684, A>T on the plus strand (T>A on the coding strand, the complement: TRDN is on the minus strand). VCF-style: chr6-123337684-A-T. GRCh37 (hg19) VCF-style: chr6-123658829-A-T.
Identifiers: ClinVar variation 2172382 (VCV002172382.1), dbSNP rs1779923995, ClinGen allele CA1660386299.

ClinVar aggregate classification (germline): Uncertain significance (1 of 4 stars; one submission).

Conditions:
Catecholaminergic polymorphic ventricular tachycardia 1. Also called: VENTRICULAR TACHYCARDIA, STRESS-INDUCED POLYMORPHIC 1; VENTRICULAR TACHYCARDIA, CATECHOLAMINERGIC POLYMORPHIC, 1, WITH OR WITHOUT ATRIAL DYSFUNCTION AND/OR DILATED CARDIOMYOPATHY; RYR2-Related Catecholaminergic Polymorphic Ventricular Tachycardia. Identifiers: Orphanet 3286, MedGen C1631597, MONDO:0011484, OMIM 604772.

Submission:

Labcorp Genetics (formerly Invitae), Labcorp
Classification: Uncertain significance for Catecholaminergic polymorphic ventricular tachycardia 1. Last evaluated: 2022-08-22. Review status: criteria provided, single submitter. Criteria: Invitae Variant Classification Sherloc (09022015). Collection method: clinical testing. Allele origin: germline.
Comment: This sequence change falls in intron 21 of the TRDN gene. It does not directly change the encoded amino acid sequence of the TRDN protein. This variant is not present in population databases (gnomAD no frequency). This variant has not been reported in the literature in individuals affected with TRDN-related conditions. Algorithms developed to predict the effect of sequence changes on RNA splicing suggest that this variant may disrupt the consensus splice site. In summary, the available evidence is currently insufficient to determine the role of this variant in disease. Therefore, it has been classified as a Variant of Uncertain Significance.